The following is an entry in ClinVar:

ClinVar aggregate classification (germline): Uncertain significance (1 of 4 stars; one submission).

Allele frequency attached by ClinVar (database versions not stated): gnomAD exomes below 0.00001; TOPMed 0.00001.
gnomAD v4.1: 2 of 1,614,070 alleles (0.00012%); highest among the groups gnomAD compares: Middle Eastern, 0.033%; no homozygotes.

Submission:

Labcorp Genetics (formerly Invitae), Labcorp
Classification: Uncertain significance. Last evaluated: 2023-12-21. Review status: criteria provided, single submitter. Criteria: Invitae Variant Classification Sherloc (09022015). Collection method: clinical testing. Allele origin: germline.
Comment: This sequence change replaces serine, which is neutral and polar, with threonine, which is neutral and polar, at codon 226 of the MLPH protein (p.Ser226Thr). This variant is not present in population databases (gnomAD no frequency). This variant has not been reported in the literature in individuals affected with MLPH-related conditions. ClinVar contains an entry for this variant (Variation ID: 1954811). Algorithms developed to predict the effect of missense changes on protein structure and function output the following: SIFT: "Not Available"; PolyPhen-2: "Benign"; Align-GVGD: "Not Available". The threonine amino acid residue is found in multiple mammalian species, which suggests that this missense change does not adversely affect protein function. In summary, the available evidence is currently insufficient to determine the role of this variant in disease. Therefore, it has been classified as a Variant of Uncertain Significance.

NM_024101.7(MLPH):c.676T>A (p.Ser226Thr)

Gene: MLPH (melanophilin; plus strand). Cytogenetic location: 2q37.3.
Variant type: single nucleotide variant.
Coding change: c.676T>A on transcript NM_024101.7 (MANE Select); coding-DNA position 676, T replaced by A.
Protein change: p.Ser226Thr; replaces serine 226 with threonine.
Molecular consequence: missense variant. On other transcripts: non-coding transcript variant (1), intron variant (1).
Genome position (GRCh38, 1-based): chr2:237,525,601, T>A. VCF-style: chr2-237525601-T-A. GRCh37 (hg19) VCF-style: chr2-238434244-T-A.
Other names: c.676T>A, p.Ser226Thr (NM_001042467.3); c.556T>A, p.Ser186Thr (NM_001281473.2); c.675+5572T>A (NM_001281474.2); short protein forms S226T, S186T.
Identifiers: ClinVar variation 1954811 (VCV001954811.5), dbSNP rs1311645199, ClinGen allele CA351197585.